The following is an entry in ClinVar:

NM_001267550.2(TTN):c.77917C>T (p.Gln25973Ter)

Genes: TTN (titin; minus strand), TTN-AS1 (TTN antisense RNA 1; plus strand). Cytogenetic location: 2q31.2.
Variant type: single nucleotide variant.
Coding change: c.77917C>T on transcript NM_001267550.2 (MANE Select); coding-DNA position 77917, C replaced by T.
Protein change: p.Gln25973Ter; replaces glutamine 25973 with a stop codon.
Molecular consequence: nonsense.
Genome position (GRCh38, 1-based): chr2:178,568,215, G>A on the plus strand (C>T on the coding strand, the complement: TTN is on the minus strand). VCF-style: chr2-178568215-G-A. GRCh37 (hg19) VCF-style: chr2-179432942-G-A.
Other names: c.72994C>T, p.Gln24332Ter (NM_001256850.1); c.50722C>T, p.Gln16908Ter (NM_003319.4); c.70213C>T, p.Gln23405Ter (NM_133378.4); c.51097C>T, p.Gln17033Ter (NM_133432.3); c.51298C>T, p.Gln17100Ter (NM_133437.4); short protein forms Q24332*, Q23405*, Q25973*, Q16908*, Q17033*, Q17100*.
Identifiers: ClinVar variation 4786845 (VCV004786845.1).
Genomic context (GRCh38, chr2:178,568,215, plus strand): 5'-GGCCTGGTTCTTTGTAGGGATATTGAGCTACAATTGGATCAGACTCTAAGGCAAAGCTTT[G>A]TCCATATCTGTTTTCGGCAAATATTCTAAATTGGTATTCTGTACCAGTTTTCAGTTTGGT-3'

ClinVar aggregate classification (germline): Likely pathogenic (1 of 4 stars; one submission).

Conditions:
Autosomal recessive limb-girdle muscular dystrophy type 2J (LGMDR10). Also called: Limb-girdle muscular dystrophy, type 2J; MUSCULAR DYSTROPHY, LIMB-GIRDLE, AUTOSOMAL RECESSIVE 10. Identifiers: Orphanet 140922, MedGen C1837342, MONDO:0012127, OMIM 608807.
Dilated cardiomyopathy 1G (CMD1G). Identifiers: Orphanet 154, MedGen C1858763, MONDO:0011400, OMIM 604145.

Submission:

Labcorp Genetics (formerly Invitae), Labcorp
Classification: Likely pathogenic for Dilated cardiomyopathy 1G; Autosomal recessive limb-girdle muscular dystrophy type 2J. Last evaluated: 2025-11-27. Review status: criteria provided, single submitter. Criteria: Invitae Variant Classification Sherloc (09022015). Collection method: clinical testing. Allele origin: germline.
Comment: This sequence change creates a premature translational stop signal (p.Gln25973*) in the TTN gene. While this is not anticipated to result in nonsense mediated decay, it is expected to create a truncated TTN protein. This variant is not present in population databases (gnomAD no frequency). This variant has not been reported in the literature in individuals affected with TTN-related conditions. This variant is located in the A band of TTN (PMID: 25589632). Truncating variants in this region are significantly overrepresented in patients affected with dilated cardiomyopathy (PMID: 25589632). Truncating variants in this region have also been reported in individuals affected with autosomal recessive centronuclear myopathy (PMID: 23975875). In summary, the currently available evidence indicates that the variant is pathogenic, but additional data are needed to prove that conclusively. Therefore, this variant has been classified as Likely Pathogenic.

Literature cited by the submitters: PubMed 25589632; PubMed 23975875.